The following is an entry in ClinVar:

ClinVar aggregate classification (germline): Uncertain significance (1 of 4 stars; one submission).

Conditions:
Hereditary cancer-predisposing syndrome. Also called: Tumor predisposition; Hereditary Cancer Syndrome; Hereditary neoplastic syndrome; Neoplastic Syndromes, Hereditary. Identifiers: Orphanet 140162, MedGen C0027672, MeSH D009386, MONDO:0015356.

Submission:

Ambry Genetics
Classification: Uncertain significance for Hereditary cancer-predisposing syndrome. Last evaluated: 2024-01-05. Review status: criteria provided, single submitter. Criteria: Ambry Variant Classification Scheme 2023. Collection method: clinical testing. Allele origin: germline.
Comment: The p.A40V variant (also known as c.119C>T), located in coding exon 1 of the CDKN2A gene, results from a C to T substitution at nucleotide position 119. The alanine at codon 40 is replaced by valine, an amino acid with similar properties. This amino acid position is not well conserved in available vertebrate species. In addition, the in silico prediction for this alteration is inconclusive. Since supporting evidence is limited at this time, the clinical significance of this alteration remains unclear.

NM_000077.5(CDKN2A):c.119C>T (p.Ala40Val)

Gene: CDKN2A (cyclin dependent kinase inhibitor 2A; minus strand). Cytogenetic location: 9p21.3.
Variant type: single nucleotide variant.
Coding change: c.119C>T on transcript NM_000077.5; coding-DNA position 119, C replaced by T.
Protein change: p.Ala40Val; replaces alanine 40 with valine.
Molecular consequence: missense variant (on NM_000077.6). On other transcripts: intron variant (2).
Genome position (GRCh38, 1-based): chr9:21,974,709, G>A on the plus strand (C>T on the coding strand, the complement: CDKN2A is on the minus strand). VCF-style: chr9-21974709-G-A. GRCh37 (hg19) VCF-style: chr9-21974708-G-A.
Other names: c.119C>T, p.Ala40Val (NM_000077.6, NM_001195132.2, NM_058197.5); c.-3-3501C>T (NM_001363763.2); c.194-3501C>T (NM_058195.4); short protein forms A40V.
Identifiers: ClinVar variation 3230252 (VCV003230252.1), dbSNP rs2131112375, ClinGen allele CA373086532.